The following is an entry in ClinVar:

ClinVar aggregate classification (germline): Uncertain significance (1 of 4 stars; one submission).

Submission:

GeneDx
Classification: Uncertain significance. Last evaluated: 2025-05-29. Review status: criteria provided, single submitter. Criteria: GeneDx Variant Classification Process June 2021. Collection method: clinical testing. Allele origin: germline. Affected: yes.
Comment: In silico analysis suggests that this missense variant does not alter protein structure/function; Has not been previously published as pathogenic or benign to our knowledge; Also known as p.S263R; This variant is associated with the following publications: (PMID: 19302049)

NM_001243133.2(NLRP3):c.789C>A (p.Ser263Arg)

Gene: NLRP3 (NLR family pyrin domain containing 3; plus strand). Cytogenetic location: 1q44.
Variant type: single nucleotide variant.
Coding change: c.789C>A on transcript NM_001243133.2 (MANE Select); coding-DNA position 789, C replaced by A.
Protein change: p.Ser263Arg; replaces serine 263 with arginine.
Molecular consequence: missense variant.
Genome position (GRCh38, 1-based): chr1:247,424,238, C>A. VCF-style: chr1-247424238-C-A. GRCh37 (hg19) VCF-style: chr1-247587540-C-A.
Other names: c.789C>A, p.Ser263Arg (NM_001127461.3, NM_001127462.3, NM_183395.3 and 1 more transcripts); c.795C>A, p.Ser265Arg (NM_004895.5); short protein forms S263R, S265R.
Identifiers: ClinVar variation 4532364 (VCV004532364.1).